The following is an entry in ClinVar:

NM_007294.4(BRCA1):c.213-10T>G

Gene: BRCA1 (BRCA1 DNA repair associated; minus strand). Cytogenetic location: 17q21.31.
Variant type: single nucleotide variant.
Coding change: c.213-10T>G on transcript NM_007294.4 (MANE Select); 10 bases into the intron before coding-DNA position 213, T replaced by G.
Molecular consequence: intron variant.
Genome position (GRCh38, 1-based): chr17:43,104,966, A>C on the plus strand (T>G on the coding strand, the complement: BRCA1 is on the minus strand). VCF-style: chr17-43104966-A-C. GRCh37 (hg19) VCF-style: chr17-41256983-A-C.
Other names: c.72-10T>G (NM_001408458.1, NM_001407931.1, NM_001407747.1 and 99 more transcripts); c.-218-10106T>G (NM_001407967.1, NM_001407966.1); c.-169-10T>G (NM_001407959.1, NM_001407962.1, NM_001408512.1 and 4 more transcripts); c.3-10T>G (NM_001407885.1, NM_001407886.1, NM_001407898.1 and 58 more transcripts); c.213-10T>G (NM_001407686.1, NM_001408397.1, NM_001407632.1 and 167 more transcripts); c.81-10T>G (NM_001408451.1); c.135-10T>G (NM_001408475.1, NM_001407875.1, NM_001407659.1 and 21 more transcripts).
Identifiers: ClinVar variation 867960 (VCV000867960.3), dbSNP rs2054700708, ClinGen allele CA916080862.

Conditions:
Breast-ovarian cancer, familial, susceptibility to, 1 (BROVCA1). Also called: BRCA1 Hereditary Breast and Ovarian Cancer; OVARIAN CANCER, SUSCEPTIBILITY TO. Identifiers: Orphanet 145, MedGen C2676676, MONDO:0011450, OMIM 604370. Disease mechanism: loss of function.

Submission:

Brotman Baty Institute, University of Washington
No classification provided (evidence only). Condition: Breast-ovarian cancer, familial 1. Review status: no classification provided. Collection method: in vitro. Allele origin: not applicable. Functional consequence: functionally_normal.
ClinVar note: "not provided" was previously submitted as the classification for the variant. However, the classification appeared to be based only on an observation of functional data so it was converted to no classification on 2025-07-30.